The following is an entry in ClinVar:

ClinVar aggregate classification (germline): Uncertain significance (1 of 4 stars; one submission).

Conditions:
Familial cold autoinflammatory syndrome 2 (FCAS2). Identifiers: Orphanet 247868, MedGen C2673198, MONDO:0012724, OMIM 611762.

Allele frequency attached by ClinVar (database versions not stated): gnomAD exomes below 0.00001.
gnomAD v4.1: 1 of 1,614,168 alleles (0.000062%); highest among the groups gnomAD compares: Non-Finnish European, 0.000085%; no homozygotes.

Submission:

Labcorp Genetics (formerly Invitae), Labcorp
Classification: Uncertain significance for Familial cold autoinflammatory syndrome 2. Last evaluated: 2022-09-24. Review status: criteria provided, single submitter. Criteria: Invitae Variant Classification Sherloc (09022015). Collection method: clinical testing. Allele origin: germline.
Comment: In summary, the available evidence is currently insufficient to determine the role of this variant in disease. Therefore, it has been classified as a Variant of Uncertain Significance. Advanced modeling of protein sequence and biophysical properties (such as structural, functional, and spatial information, amino acid conservation, physicochemical variation, residue mobility, and thermodynamic stability) performed at Invitae indicates that this missense variant is not expected to disrupt NLRP12 protein function. This variant has not been reported in the literature in individuals affected with NLRP12-related conditions. This variant is present in population databases (no rsID available, gnomAD 0.0009%). This sequence change replaces cysteine, which is neutral and slightly polar, with tyrosine, which is neutral and polar, at codon 848 of the NLRP12 protein (p.Cys848Tyr).

NM_144687.4(NLRP12):c.2543G>A (p.Cys848Tyr)

Gene: NLRP12 (NLR family pyrin domain containing 12; minus strand). Cytogenetic location: 19q13.42.
Variant type: single nucleotide variant.
Coding change: c.2543G>A on transcript NM_144687.4 (MANE Select); coding-DNA position 2543, G replaced by A.
Protein change: p.Cys848Tyr; replaces cysteine 848 with tyrosine.
Molecular consequence: missense variant.
Genome position (GRCh38, 1-based): chr19:53,803,994, C>T on the plus strand (G>A on the coding strand, the complement: NLRP12 is on the minus strand). VCF-style: chr19-53803994-C-T. GRCh37 (hg19) VCF-style: chr19-54307248-C-T.
Other names: c.2546G>A, p.Cys849Tyr (NM_001277126.2); c.2543G>A, p.Cys848Tyr (NM_001277129.1); short protein forms C848Y, C849Y.
Identifiers: ClinVar variation 1720272 (VCV001720272.5), dbSNP rs1368960277, ClinGen allele CA407409393.